The following is an entry in ClinVar:

NM_003816.3(ADAM9):c.2374C>G (p.Pro792Ala)

Gene: ADAM9 (ADAM metallopeptidase domain 9; plus strand). Cytogenetic location: 8p11.22.
Variant type: single nucleotide variant.
Coding change: c.2374C>G on transcript NM_003816.3 (MANE Select); coding-DNA position 2374, C replaced by G.
Protein change: p.Pro792Ala; replaces proline 792 with alanine.
Molecular consequence: missense variant. On other transcripts: non-coding transcript variant (3).
Genome position (GRCh38, 1-based): chr8:39,103,614, C>G. VCF-style: chr8-39103614-C-G. GRCh37 (hg19) VCF-style: chr8-38961133-C-G.
Other names: short protein forms P792A.
Identifiers: ClinVar variation 1432489 (VCV001432489.6), dbSNP rs1295134926, ClinGen allele CA370738813.

ClinVar aggregate classification (germline): Uncertain significance (1 of 4 stars; one submission).

gnomAD v4.1: 9 of 1,614,078 alleles (0.00056%); highest among the groups gnomAD compares: Non-Finnish European, 0.00076%; no homozygotes.

Submission:

Labcorp Genetics (formerly Invitae), Labcorp
Classification: Uncertain significance. Last evaluated: 2024-09-05. Review status: criteria provided, single submitter. Criteria: Invitae Variant Classification Sherloc (09022015). Collection method: clinical testing. Allele origin: germline.
Comment: This sequence change replaces proline, which is neutral and non-polar, with alanine, which is neutral and non-polar, at codon 792 of the ADAM9 protein (p.Pro792Ala). This variant is not present in population databases (gnomAD no frequency). This variant has not been reported in the literature in individuals affected with ADAM9-related conditions. ClinVar contains an entry for this variant (Variation ID: 1432489). An algorithm developed to predict the effect of missense changes on protein structure and function (PolyPhen-2) suggests that this variant is likely to be disruptive. In summary, the available evidence is currently insufficient to determine the role of this variant in disease. Therefore, it has been classified as a Variant of Uncertain Significance.